The following is an entry in ClinVar:

ClinVar aggregate classification (germline): Uncertain significance (1 of 4 stars; one submission).

Submission:

CeGaT Center for Human Genetics Tuebingen
Classification: Uncertain significance. Last evaluated: 2023-11-01. Review status: criteria provided, single submitter. Criteria: CeGaT Center For Human Genetics Tuebingen Variant Classification Criteria Version 2. Collection method: clinical testing. Allele origin: germline. Affected: yes. Observed: 1 variant allele.
Comment: PYGM: PM2, PP3

NM_005609.4(PYGM):c.271T>C (p.Tyr91His)

Gene: PYGM (glycogen phosphorylase, muscle associated; minus strand). Cytogenetic location: 11q13.1.
Variant type: single nucleotide variant.
Coding change: c.271T>C on transcript NM_005609.4 (MANE Select); coding-DNA position 271, T replaced by C.
Protein change: p.Tyr91His; replaces tyrosine 91 with histidine.
Molecular consequence: missense variant. On other transcripts: intron variant (1).
Genome position (GRCh38, 1-based): chr11:64,758,677, A>G on the plus strand (T>C on the coding strand, the complement: PYGM is on the minus strand). VCF-style: chr11-64758677-A-G. GRCh37 (hg19) VCF-style: chr11-64526149-A-G.
Other names: c.244-411T>C (NM_001164716.1); short protein forms Y91H.
Identifiers: ClinVar variation 2672470 (VCV002672470.23), dbSNP rs2496671677, ClinGen allele CA381111442.